The following is an entry in ClinVar:

ClinVar aggregate classification (germline): Uncertain significance (1 of 4 stars; one submission).

Conditions:
Focal segmental glomerulosclerosis 5 (FSGS5). Identifiers: Orphanet 656, MedGen C2750475, MONDO:0013191, OMIM 613237.
Charcot-Marie-Tooth disease dominant intermediate E. Also called: CHARCOT-MARIE-TOOTH NEUROPATHY WITH FOCAL SEGMENTAL GLOMERULONEPHRITIS. Identifiers: Orphanet 93114, MedGen C4302667, MONDO:0013758, OMIM 614455.

Allele frequency attached by ClinVar (database versions not stated): ExAC 0.00002; TOPMed 0.00002.
gnomAD v4.1: 18 of 1,593,568 alleles (0.0011%); highest among the groups gnomAD compares: Non-Finnish European, 0.0015%; no homozygotes.

Submission:

Labcorp Genetics (formerly Invitae), Labcorp
Classification: Uncertain significance for Charcot-Marie-Tooth disease dominant intermediate E; Focal segmental glomerulosclerosis 5. Last evaluated: 2025-09-02. Review status: criteria provided, single submitter. Criteria: Invitae Variant Classification Sherloc (09022015). Collection method: clinical testing. Allele origin: germline.
Comment: This sequence change replaces arginine, which is basic and polar, with glutamine, which is neutral and polar, at codon 1221 of the INF2 protein (p.Arg1221Gln). The frequency data for this variant in the population databases is considered unreliable, as metrics indicate poor data quality at this position in the gnomAD database. This variant has not been reported in the literature in individuals affected with INF2-related conditions. ClinVar contains an entry for this variant (Variation ID: 864605). Invitae Evidence Modeling of protein sequence and biophysical properties (such as structural, functional, and spatial information, amino acid conservation, physicochemical variation, residue mobility, and thermodynamic stability) indicates that this missense variant is not expected to disrupt INF2 protein function with a negative predictive value of 95%. In summary, the available evidence is currently insufficient to determine the role of this variant in disease. Therefore, it has been classified as a Variant of Uncertain Significance.

NM_022489.4(INF2):c.3662G>A (p.Arg1221Gln)

Gene: INF2 (inverted formin 2; plus strand). Cytogenetic location: 14q32.33.
Variant type: single nucleotide variant.
Coding change: c.3662G>A on transcript NM_022489.4 (MANE Select); coding-DNA position 3662, G replaced by A.
Protein change: p.Arg1221Gln; replaces arginine 1221 with glutamine.
Molecular consequence: missense variant.
Genome position (GRCh38, 1-based): chr14:104,714,824, G>A. VCF-style: chr14-104714824-G-A. GRCh37 (hg19) VCF-style: chr14-105181161-G-A.
Other names: c.3662G>A, p.Arg1221Gln (NM_001031714.4); short protein forms R1221Q.
Identifiers: ClinVar variation 864605 (VCV000864605.8), dbSNP rs754128326, ClinGen allele CA7373338.